The following is an entry in ClinVar:

ClinVar aggregate classification (germline): Conflicting classifications of pathogenicity. Review status: criteria provided, conflicting classifications (1 of 4 stars). 2 submissions from 2 submitters: Likely pathogenic (1); Uncertain significance (1). Last evaluated 2023-03-14.

Conditions:
Charcot-Marie-Tooth Neuropathy X. Identifiers: MedGen CN118851.

Submissions (2):

GeneDx
Classification: Likely pathogenic. Last evaluated: 2023-03-14. Review status: criteria provided, single submitter. Criteria: GeneDx Variant Classification Process June 2021. Collection method: clinical testing. Allele origin: germline. Affected: yes.
Comment: Not observed at significant frequency in large population cohorts (gnomAD); In silico analysis supports that this missense variant has a deleterious effect on protein structure/function; Missense variants in this gene are often considered pathogenic (HGMD); This variant is associated with the following publications: (PMID: 24290847)

Labcorp Genetics (formerly Invitae), Labcorp
Classification: Uncertain significance for Charcot-Marie-Tooth Neuropathy X. Last evaluated: 2022-08-31. Review status: criteria provided, single submitter. Criteria: Invitae Variant Classification Sherloc (09022015). Collection method: clinical testing. Allele origin: germline.
Comment: In summary, the available evidence is currently insufficient to determine the role of this variant in disease. Therefore, it has been classified as a Variant of Uncertain Significance. Algorithms developed to predict the effect of missense changes on protein structure and function are either unavailable or do not agree on the potential impact of this missense change (SIFT: "Deleterious"; PolyPhen-2: "Probably Damaging"; Align-GVGD: "Class C15"). ClinVar contains an entry for this variant (Variation ID: 1061133). This missense change has been observed in individuals with Charcot-Marie-Tooth disease (PMID: 24290847; Invitae). This variant is not present in population databases (gnomAD no frequency). This sequence change replaces serine, which is neutral and polar, with phenylalanine, which is neutral and non-polar, at codon 72 of the GJB1 protein (p.Ser72Phe).

Literature cited by the submitters: PubMed 24290847 (cited by Labcorp Genetics (formerly Invitae), Labcorp).

NM_000166.6(GJB1):c.215C>T (p.Ser72Phe)

Gene: GJB1 (gap junction protein beta 1; plus strand). Cytogenetic location: Xq13.1.
Variant type: single nucleotide variant.
Coding change: c.215C>T on transcript NM_000166.6 (MANE Select); coding-DNA position 215, C replaced by T.
Protein change: p.Ser72Phe; replaces serine 72 with phenylalanine.
Molecular consequence: missense variant.
Genome position (GRCh38, 1-based): chrX:71,223,922, C>T. VCF-style: chrX-71223922-C-T. GRCh37 (hg19) VCF-style: chrX-70443772-C-T.
Other names: c.215C>T, p.Ser72Phe (NM_001097642.3); c.215C>T (NM_000166.5); short protein forms S72F.
Identifiers: ClinVar variation 1061133 (VCV001061133.9), dbSNP rs2092543301, ClinGen allele CA413501523.